The following is an entry in ClinVar:

ClinVar aggregate classification (germline): Uncertain significance (1 of 4 stars; one submission).

Conditions:
Immunodeficiency 85 and autoimmunity. Identifiers: MedGen C5561976, MONDO:0030428, OMIM 619510.

gnomAD v4.1: 1 of 1,607,410 alleles (0.000062%); highest among the groups gnomAD compares: Non-Finnish European, 0.000085%; no homozygotes.

Submission:

Laboratorio de Genetica e Diagnostico Molecular, Hospital Israelita Albert Einstein
Classification: Uncertain significance for Immunodeficiency 85 and autoimmunity. Last evaluated: 2025-02-28. Review status: criteria provided, single submitter. Criteria: ACMG Guidelines, 2015. Collection method: clinical testing. Allele origin: germline. Affected: yes.
Comment: ACMG classification criteria: PM2 supporting, BP4 supporting

NM_005488.3(TOM1):c.1028-8C>T

Gene: TOM1 (target of myb1 membrane trafficking protein; plus strand). Cytogenetic location: 22q12.3.
Variant type: single nucleotide variant.
Coding change: c.1028-8C>T on transcript NM_005488.3 (MANE Select); 8 bases into the intron before coding-DNA position 1028, C replaced by T.
Molecular consequence: intron variant.
Genome position (GRCh38, 1-based): chr22:35,334,320, C>T. VCF-style: chr22-35334320-C-T. GRCh37 (hg19) VCF-style: chr22-35730313-C-T.
Other names: c.929-8C>T (NM_001135729.2); c.1028-8C>T (NM_001135732.2); c.893-8C>T (NM_001135730.2).
Identifiers: ClinVar variation 4076271 (VCV004076271.1).